The following is an entry in ClinVar:

ClinVar aggregate classification (germline): Pathogenic. Review status: criteria provided, multiple submitters, no conflicts (2 of 4 stars). 2 submissions from 2 submitters: Pathogenic (2). Last evaluated 2025-09-22.

Conditions:
Gorlin syndrome. Also called: Nevoid Basal Cell Carcinoma Syndrome; Basal cell nevus syndrome. Identifiers: Orphanet 377, MedGen C0004779, MONDO:0007187.
Hereditary cancer-predisposing syndrome. Also called: Hereditary neoplastic syndrome; Neoplastic Syndromes, Hereditary; Tumor predisposition; Hereditary Cancer Syndrome. Identifiers: Orphanet 140162, MedGen C0027672, MeSH D009386, MONDO:0015356.

Submissions (2):

Labcorp Genetics (formerly Invitae), Labcorp
Classification: Pathogenic for Gorlin syndrome. Last evaluated: 2025-09-22. Review status: criteria provided, single submitter. Criteria: Invitae Variant Classification Sherloc (09022015). Collection method: clinical testing. Allele origin: germline.
Comment: This sequence change creates a premature translational stop signal (p.Met152Valfs*2) in the PTCH1 gene. It is expected to result in an absent or disrupted protein product. Loss-of-function variants in PTCH1 are known to be pathogenic (PMID: 16301862, 16419085). This variant is not present in population databases (gnomAD no frequency). This variant has not been reported in the literature in individuals affected with PTCH1-related conditions. ClinVar contains an entry for this variant (Variation ID: 409169). Algorithms developed to predict the effect of sequence changes on RNA splicing suggest that this variant may disrupt the consensus splice site. For these reasons, this variant has been classified as Pathogenic.

Ambry Genetics
Classification: Pathogenic for Hereditary cancer-predisposing syndrome. Last evaluated: 2024-10-30. Review status: criteria provided, single submitter. Criteria: Ambry Variant Classification Scheme 2023. Collection method: clinical testing. Allele origin: germline.
Comment: The c.454_455delAT pathogenic mutation, located in coding exon 3 of the PTCH1 gene, results from a deletion of two nucleotides at nucleotide positions 454 to 455, causing a translational frameshift with a predicted alternate stop codon (p.M152Vfs*2). This variant has been observed in at least one individual with a personal and/or family history that is consistent with PTCH1-related nevoid basal cell carcinoma syndrome (Ambry internal data). This variant is considered to be rare based on population cohorts in the Genome Aggregation Database (gnomAD). This alteration is expected to result in loss of function by premature protein truncation or nonsense-mediated mRNA decay. As such, this alteration is interpreted as a disease-causing mutation.

Literature cited by the submitters: PubMed 16301862 (cited by Labcorp Genetics (formerly Invitae), Labcorp); PubMed 16419085 (cited by Labcorp Genetics (formerly Invitae), Labcorp).

NM_000264.5(PTCH1):c.454_455del (p.Met152fs)

Gene: PTCH1 (patched 1; minus strand). Cytogenetic location: 9q22.32.
Variant type: Deletion.
Coding change: c.454_455del on transcript NM_000264.5 (MANE Select); coding-DNA positions 454 to 455, 2 bases deleted (AT; older notation c.454_455delAT).
Protein change: p.Met152fs; shifts the reading frame from methionine 152.
Molecular consequence: frameshift variant. On other transcripts: initiator codon variant (4), non-coding transcript variant (1).
Genome position (GRCh38, 1-based): chr9:95,485,814-95,485,815, AT deleted on the plus strand (AT on the coding strand, the reverse complement: PTCH1 is on the minus strand); deleting any 2 consecutive bases within chr9:95,485,814-95,485,816 gives the same sequence; the c. name uses the placement nearest the transcript's 3' end. VCF-style (leftmost placement, unchanged base first): chr9-95485813-CAT-C. GRCh37 (hg19) VCF-style: chr9-98248095-CAT-C.
Other names: c.256_257del, p.Met86fs (NM_001083602.3, NM_001354919.2); c.451_452del, p.Met151fs (NM_001083603.3); c.1_2del, p.Met1fs (NM_001083604.3, NM_001083605.3, NM_001083606.3 and 1 more transcripts); c.454_455del, p.Met152fs (NM_001354918.2); short protein forms M151fs, M152fs, M1fs, M86fs.
Identifiers: ClinVar variation 409169 (VCV000409169.11), dbSNP rs1060502280, ClinGen allele CA16612783.